The following is an entry in ClinVar:

NM_012470.4(TNPO3):c.1511G>C (p.Gly504Ala)

Gene: TNPO3 (transportin 3; minus strand). Cytogenetic location: 7q32.1.
Variant type: single nucleotide variant.
Coding change: c.1511G>C on transcript NM_012470.4 (MANE Select); coding-DNA position 1511, G replaced by C.
Protein change: p.Gly504Ala; replaces glycine 504 with alanine.
Molecular consequence: missense variant. On other transcripts: non-coding transcript variant (18), intron variant (2).
Genome position (GRCh38, 1-based): chr7:128,986,908, C>G on the plus strand (G>C on the coding strand, the complement: TNPO3 is on the minus strand). VCF-style: chr7-128986908-C-G. GRCh37 (hg19) VCF-style: chr7-128626962-C-G.
Other names: c.1613G>C, p.Gly538Ala (NM_001382216.1); c.1592G>C, p.Gly531Ala (NM_001382217.1); c.1511G>C, p.Gly504Ala (NM_001382218.1, NM_001382220.1); c.1403G>C, p.Gly468Ala (NM_001382219.1); c.1367G>C, p.Gly456Ala (NM_001382221.1); c.1364G>C, p.Gly455Ala (NM_001382222.1); c.1499-2649G>C (NM_001382223.1, NM_001191028.3); short protein forms G538A, G456A, G504A, G531A, G455A, G468A.
Identifiers: ClinVar variation 2122798 (VCV002122798.4), dbSNP rs778849222, ClinGen allele CA369226694.
Genomic context (GRCh38, chr7:128,986,908, plus strand): 5'-TGAATGGCTTTGGCTGCAGCAGAAGCCAGGGGCTTTTCACACAGGCCTTTCATCAAATAG[C>G]CCAACACAGGGTCTAAGAAGAAAAGCCAAGCAGAGATTACATATCTGAAACTAAAGGAAA-3'
Protein context (NP_036602.1, residues 494-514): RNPQFLDPVL[Gly504Ala]YLMKGLCEKP

ClinVar aggregate classification (germline): Uncertain significance (1 of 4 stars; one submission).

Conditions:
Autosomal dominant limb-girdle muscular dystrophy type 1F (LGMDD2). Also called: Limb-girdle muscular dystrophy, type 1F; MUSCULAR DYSTROPHY, LIMB-GIRDLE, AUTOSOMAL DOMINANT 2. Identifiers: Orphanet 55595, MedGen C1842062, MONDO:0012034, OMIM 608423.

Submission:

Labcorp Genetics (formerly Invitae), Labcorp
Classification: Uncertain significance for Autosomal dominant limb-girdle muscular dystrophy type 1F. Last evaluated: 2022-10-18. Review status: criteria provided, single submitter. Criteria: Invitae Variant Classification Sherloc (09022015). Collection method: clinical testing. Allele origin: germline.
Comment: This sequence change replaces glycine, which is neutral and non-polar, with alanine, which is neutral and non-polar, at codon 504 of the TNPO3 protein (p.Gly504Ala). This variant is not present in population databases (gnomAD no frequency). This variant has not been reported in the literature in individuals affected with TNPO3-related conditions. Advanced modeling of protein sequence and biophysical properties (such as structural, functional, and spatial information, amino acid conservation, physicochemical variation, residue mobility, and thermodynamic stability) performed at Invitae indicates that this missense variant is not expected to disrupt TNPO3 protein function. In summary, the available evidence is currently insufficient to determine the role of this variant in disease. Therefore, it has been classified as a Variant of Uncertain Significance.